The following is an entry in ClinVar:

NM_000138.5(FBN1):c.7007A>T (p.Glu2336Val)

Gene: FBN1 (fibrillin 1; minus strand). Cytogenetic location: 15q21.1.
Variant type: single nucleotide variant.
Coding change: c.7007A>T on transcript NM_000138.5 (MANE Select); coding-DNA position 7007, A replaced by T.
Protein change: p.Glu2336Val; replaces glutamic acid 2336 with valine.
Molecular consequence: missense variant.
Genome position (GRCh38, 1-based): chr15:48,427,764, T>A on the plus strand (A>T on the coding strand, the complement: FBN1 is on the minus strand). VCF-style: chr15-48427764-T-A. GRCh37 (hg19) VCF-style: chr15-48719961-T-A.
Other names: c.7007A>T, p.Glu2336Val (NM_001406716.1); short protein forms E2336V.
Identifiers: ClinVar variation 3068674 (VCV003068674.3), dbSNP rs2505412871, ClinGen allele CA392330352.

ClinVar aggregate classification (germline): Uncertain significance. Review status: criteria provided, multiple submitters, no conflicts (2 of 4 stars). 2 submissions from 2 submitters: Uncertain significance (2). Last evaluated 2024-06-23.

Conditions:
Progeroid and marfanoid aspect-lipodystrophy syndrome. Also called: MARFANOID-PROGEROID-LIPODYSTROPHY SYNDROME; MARFANOID-PROGEROID SYNDROME; MARFAN-PROGEROID-LIPODYSTROPHY SYNDROME; Marfan lipodystrophy syndrome. Identifiers: Orphanet 300382, MedGen C4310796, MONDO:0014831, OMIM 616914.
Marfan syndrome (MFS). Also called: MARFAN SYNDROME, TYPE I; Marfan syndrome type 1; Marfan's syndrome; Marfan syndrome, classic; FBN1-Related Marfan Syndrome. Identifiers: Orphanet 284963, Orphanet 558, MedGen C0024796, MONDO:0007947, OMIM 154700.
Familial thoracic aortic aneurysm and aortic dissection (TAAD). Also called: Thoracic aortic aneurysms and dissections. Identifiers: Orphanet 91387, MedGen C4707243, MONDO:0019625.

Allele frequency attached by ClinVar (database versions not stated): gnomAD exomes below 0.00001.
gnomAD v4.1: 1 of 1,613,864 alleles (0.000062%); highest among the groups gnomAD compares: East Asian, 0.0022%; no homozygotes.

Submissions (2):

Labcorp Genetics (formerly Invitae), Labcorp
Classification: Uncertain significance for Marfan syndrome; Familial thoracic aortic aneurysm and aortic dissection. Last evaluated: 2024-06-23. Review status: criteria provided, single submitter. Criteria: Invitae Variant Classification Sherloc (09022015). Collection method: clinical testing. Allele origin: germline.
Comment: This sequence change replaces glutamic acid, which is acidic and polar, with valine, which is neutral and non-polar, at codon 2336 of the FBN1 protein (p.Glu2336Val). This variant is not present in population databases (gnomAD no frequency). This variant has not been reported in the literature in individuals affected with FBN1-related conditions. Advanced modeling of protein sequence and biophysical properties (such as structural, functional, and spatial information, amino acid conservation, physicochemical variation, residue mobility, and thermodynamic stability) performed at Invitae indicates that this missense variant is not expected to disrupt FBN1 protein function with a negative predictive value of 95%. In summary, the available evidence is currently insufficient to determine the role of this variant in disease. Therefore, it has been classified as a Variant of Uncertain Significance.

Molecular Genetics, Royal Melbourne Hospital
Classification: Uncertain significance for Progeroid and marfanoid aspect-lipodystrophy syndrome. Last evaluated: 2023-05-05. Review status: criteria provided, single submitter. Criteria: ACMG Guidelines, 2015. Collection method: clinical testing. Allele origin: germline.
Comment: This sequence change in FBN1 is predicted to replace glutamic acid with valine at codon 2336, p.(Glu2336Val). The glutamic acid residue is moderately conserved (89/100 vertebrates, UCSC), and is located in the C-terminal domain (PMID: 11461921). There is a large physicochemical difference between glutamic acid and valine. This variant is absent from the population database gnomAD v2.1 and v3.1. To our knowledge, this variant is novel and has not been previously reported in the relevant scientific literature or databases. Computational evidence is uninformative for the missense substitution (REVEL = 0.393). Based on the classification scheme RMH Modified ACMG/AMP Guidelines v1.6.1, this variant is classified as a VARIANT OF UNCERTAIN SIGNIFICANCE. Following criteria are met: PM2_Supporting.

Literature cited by the submitters: PubMed 11461921 (cited by Molecular Genetics, Royal Melbourne Hospital).